The following is an entry in ClinVar:

NM_000709.4(BCKDHA):c.607G>A (p.Val203Ile)

Gene: BCKDHA (branched chain keto acid dehydrogenase E1 subunit alpha; plus strand). Cytogenetic location: 19q13.2.
Variant type: single nucleotide variant.
Coding change: c.607G>A on transcript NM_000709.4 (MANE Select); coding-DNA position 607, G replaced by A.
Protein change: p.Val203Ile; replaces valine 203 with isoleucine.
Molecular consequence: missense variant.
Genome position (GRCh38, 1-based): chr19:41,419,257, G>A. VCF-style: chr19-41419257-G-A. GRCh37 (hg19) VCF-style: chr19-41925162-G-A.
Other names: c.607G>A, p.Val203Ile (NM_001164783.2); short protein forms V203I.
Identifiers: ClinVar variation 973433 (VCV000973433.4), dbSNP rs988176395, ClinGen allele CA308521356.

ClinVar aggregate classification (germline): Uncertain significance. Review status: criteria provided, multiple submitters, no conflicts (2 of 4 stars). 2 submissions from 2 submitters: Uncertain significance (2). Last evaluated 2022-08-10.

Conditions:
Maple syrup urine disease (MSUD). Identifiers: Orphanet 511, MedGen C0024776, MeSH D008375, MONDO:0009563. Disease mechanism: loss of function.

Allele frequency attached by ClinVar (database versions not stated): gnomAD exomes 0.00001; gnomAD 0.00004 and 0.00005; TOPMed 0.00006.
gnomAD v4.1: 68 of 1,614,004 alleles (0.0042%); highest among the groups gnomAD compares: African/African-American, 0.0053%; no homozygotes.

Submissions (2):

Labcorp Genetics (formerly Invitae), Labcorp
Classification: Uncertain significance for Maple syrup urine disease. Last evaluated: 2022-08-10. Review status: criteria provided, single submitter. Criteria: Invitae Variant Classification Sherloc (09022015). Collection method: clinical testing. Allele origin: germline.
Comment: This sequence change replaces valine, which is neutral and non-polar, with isoleucine, which is neutral and non-polar, at codon 203 of the BCKDHA protein (p.Val203Ile). This variant is present in population databases (no rsID available, gnomAD 0.004%). This variant has not been reported in the literature in individuals affected with BCKDHA-related conditions. ClinVar contains an entry for this variant (Variation ID: 973433). Advanced modeling of protein sequence and biophysical properties (such as structural, functional, and spatial information, amino acid conservation, physicochemical variation, residue mobility, and thermodynamic stability) performed at Invitae indicates that this missense variant is not expected to disrupt BCKDHA protein function. In summary, the available evidence is currently insufficient to determine the role of this variant in disease. Therefore, it has been classified as a Variant of Uncertain Significance.

Elsea Laboratory, Baylor College of Medicine
Classification: Uncertain significance for Maple syrup urine disease type 1A. Last evaluated: 2020-04-01. Review status: criteria provided, single submitter. Criteria: ACMG Guidelines, 2015. Collection method: clinical testing. Allele origin: germline. Affected: no.